The following is an entry in ClinVar:

ClinVar aggregate classification (germline): Uncertain significance. Review status: criteria provided, multiple submitters, no conflicts (2 of 4 stars). 2 submissions from 2 submitters: Uncertain significance (2). Last evaluated 2022-05-11.

Conditions:
Inborn genetic diseases. Identifiers: MedGen C0950123, MeSH D030342.

Allele frequency attached by ClinVar (database versions not stated): gnomAD exomes 0.00001 and 0.00002; ExAC 0.00002; gnomAD 0.00005 and 0.00006; TOPMed 0.00005.
gnomAD v4.1: 16 of 1,613,998 alleles (0.00099%); highest among the groups gnomAD compares: African/African-American, 0.02%; no homozygotes.

Submissions (2):

Ambry Genetics
Classification: Uncertain significance for Inborn genetic diseases. Last evaluated: 2022-05-11. Review status: criteria provided, single submitter. Criteria: Ambry Variant Classification Scheme 2023. Collection method: clinical testing. Allele origin: germline.

Labcorp Genetics (formerly Invitae), Labcorp
Classification: Uncertain significance. Last evaluated: 2021-11-12. Review status: criteria provided, single submitter. Criteria: Invitae Variant Classification Sherloc (09022015). Collection method: clinical testing. Allele origin: germline.
Comment: This sequence change replaces proline, which is neutral and non-polar, with serine, which is neutral and polar, at codon 362 of the PTPN23 protein (p.Pro362Ser). This variant is present in population databases (rs755924831, gnomAD 0.03%). This variant has not been reported in the literature in individuals affected with PTPN23-related conditions. Algorithms developed to predict the effect of missense changes on protein structure and function are either unavailable or do not agree on the potential impact of this missense change (SIFT: "Deleterious"; PolyPhen-2: "Not Available"; Align-GVGD: "Class C65"). In summary, the available evidence is currently insufficient to determine the role of this variant in disease. Therefore, it has been classified as a Variant of Uncertain Significance.

NM_015466.4(PTPN23):c.1084C>T (p.Pro362Ser)

Gene: PTPN23 (protein tyrosine phosphatase non-receptor type 23; plus strand). Cytogenetic location: 3p21.31.
Variant type: single nucleotide variant.
Coding change: c.1084C>T on transcript NM_015466.4 (MANE Select); coding-DNA position 1084, C replaced by T.
Protein change: p.Pro362Ser; replaces proline 362 with serine.
Molecular consequence: missense variant.
Genome position (GRCh38, 1-based): chr3:47,407,777, C>T. VCF-style: chr3-47407777-C-T. GRCh37 (hg19) VCF-style: chr3-47449267-C-T.
Other names: c.706C>T, p.Pro236Ser (NM_001304482.2); c.1084C>T (NM_015466.2); short protein forms P236S, P362S.
Identifiers: ClinVar variation 1345458 (VCV001345458.4), dbSNP rs755924831, ClinGen allele CA2365619.